The following is an entry in ClinVar:

NM_000545.8(HNF1A):c.514G>C (p.Glu172Gln)

Gene: HNF1A (HNF1 homeobox A; plus strand). Cytogenetic location: 12q24.31.
Variant type: single nucleotide variant.
Coding change: c.514G>C on transcript NM_000545.8 (MANE Select); coding-DNA position 514, G replaced by C.
Protein change: p.Glu172Gln; replaces glutamic acid 172 with glutamine.
Molecular consequence: missense variant.
Genome position (GRCh38, 1-based): chr12:120,989,020, G>C. VCF-style: chr12-120989020-G-C. GRCh37 (hg19) VCF-style: chr12-121426823-G-C.
Other names: c.514G>C, p.Glu172Gln (NM_001306179.2, NM_001406915.1); short protein forms E172Q.
Identifiers: ClinVar variation 3705202 (VCV003705202.2).

ClinVar aggregate classification (germline): Uncertain significance (1 of 4 stars; one submission).

gnomAD v4.1: 1 of 1,614,210 alleles (0.000062%); highest among the groups gnomAD compares: African/African-American, 0.0013%; no homozygotes.

Submission:

Labcorp Genetics (formerly Invitae), Labcorp
Classification: Uncertain significance. Last evaluated: 2024-11-11. Review status: criteria provided, single submitter. Criteria: Invitae Variant Classification Sherloc (09022015). Collection method: clinical testing. Allele origin: germline.
Comment: This sequence change replaces glutamic acid, which is acidic and polar, with glutamine, which is neutral and polar, at codon 172 of the HNF1A protein (p.Glu172Gln). This variant is not present in population databases (gnomAD no frequency). This variant has not been reported in the literature in individuals affected with HNF1A-related conditions. Invitae Evidence Modeling of protein sequence and biophysical properties (such as structural, functional, and spatial information, amino acid conservation, physicochemical variation, residue mobility, and thermodynamic stability) indicates that this missense variant is not expected to disrupt HNF1A protein function with a negative predictive value of 80%. In summary, the available evidence is currently insufficient to determine the role of this variant in disease. Therefore, it has been classified as a Variant of Uncertain Significance.